The following is an entry in ClinVar:

ClinVar aggregate classification (germline): Pathogenic/Likely pathogenic. Review status: criteria provided, multiple submitters, no conflicts (2 of 4 stars). 12 submissions from 12 submitters: Pathogenic (8); Likely pathogenic (3). 1 of the submissions does not count toward it. Last evaluated 2026-05-19.

Conditions:
SACS-related disorder. Also called: SACS-related condition.
Spastic paraplegia. Identifiers: MedGen C0037772, HP:0001258.
Charlevoix-Saguenay spastic ataxia (SACS). Also called: AUTOSOMAL RECESSIVE SPASTIC ATAXIA OF CHARLEVOIX-SAGUENAY; SPASTIC ATAXIA 6, AUTOSOMAL RECESSIVE; Spastic ataxia of Charlevoix-Saguenay. Identifiers: Orphanet 98, MedGen C1849140, MONDO:0010041, OMIM 270550.

Allele frequency attached by ClinVar (database versions not stated): ExAC 0.00001; gnomAD exomes 0.00001.

Submissions (12):

PreventionGenetics, part of Exact Sciences
Classification: Pathogenic for SACS-related condition. Last evaluated: 2026-05-19. Review status: criteria provided, single submitter. Criteria: ACMG Guidelines, 2015. Collection method: clinical testing. Allele origin: germline.
Comment: The SACS c.12973C>T variant is predicted to result in premature protein termination (p.Arg4325*). This variant has been reported in an individuals with spastic ataxia of Charlevoix-Saguenay (Yamamoto et al. 2006. PubMed ID: 16944349; da Graça et al. 2021. PubMed ID: 33956305; Romano et al. 2013. PubMed ID: 23280630). This variant is reported in 0.0033% of alleles in individuals of South Asian descent in gnomAD. Nonsense variants in SACS are expected to be pathogenic. This variant is interpreted as pathogenic.

Dasa
Classification: Pathogenic. Last evaluated: 2026-03-06. Review status: criteria provided, single submitter. Criteria: DASA Assertion Criteria. Collection method: clinical testing. Allele origin: germline.
Comment: NM_014363.6(SACS):c.12973C>T (p.Arg4325*) introduces a premature termination codon predicted to result in loss of normal protein function. Loss-of-function is an established mechanism of disease for this gene. This variant has been observed in affected individuals with related phenotype in a genotype context consistent with recessive disease (PMID: 40243517; PMID: 33956305; PMID: 31475473). This variant has been recurrently observed in individuals with related phenotype (PMID: 40243517; PMID: 33956305; PMID: 31475473). The variant is present at low frequency in population datasets. Based on the available data, this variant is classified as pathogenic.

Laboratorio de Genetica e Diagnostico Molecular, Hospital Israelita Albert Einstein
Classification: Likely pathogenic for Charlevoix-Saguenay spastic ataxia. Last evaluated: 2024-08-17. Review status: criteria provided, single submitter. Criteria: ACMG Guidelines, 2015. Collection method: clinical testing. Allele origin: germline. Affected: yes.
Comment: ACMG classification criteria: PVS1 moderate, PM2 supporting, PM3 strong

Natera, Inc.
Classification: Pathogenic for Charlevoix-Saguenay type spastic ataxia. Last evaluated: 2024-03-18. Review status: criteria provided, single submitter. Criteria: Natera Variant Classification Schema (03/2026). Collection method: clinical testing. Allele origin: germline.
Comment: The c.12973C>T variant in SACS is a nonsense variant predicted to introduce a stop codon at amino acid 4325. This variant is expected to result in nonsense mediated decay, truncation, or a dysfunctional protein product. This variant is rare in the general population with a frequency below the threshold expected for the associated phenotype(s). This variant has been observed in one or more individuals affected with the associated recessive disease, as either homozygous or compound heterozygous with a second variant (PMID: 16944349, 33956305, 27142713). Given the available evidence, this variant is classified as Pathogenic.

Institute of Human Genetics, University of Leipzig Medical Center
Classification: Pathogenic for Charlevoix-Saguenay spastic ataxia. Last evaluated: 2024-02-28. Review status: criteria provided, single submitter. Criteria: ACMG Guidelines, 2015. Collection method: clinical testing. Allele origin: paternal. Inheritance: Autosomal recessive inheritance. Affected: yes.
Comment: Criteria applied: PVS1,PM3_STR,PM2_SUP

Labcorp Genetics (formerly Invitae), Labcorp
Classification: Pathogenic for Spastic paraplegia. Last evaluated: 2023-10-14. Review status: criteria provided, single submitter. Criteria: Invitae Variant Classification Sherloc (09022015). Collection method: clinical testing. Allele origin: germline.
Comment: This sequence change creates a premature translational stop signal (p.Arg4325*) in the SACS gene. While this is not anticipated to result in nonsense mediated decay, it is expected to disrupt the last 255 amino acid(s) of the SACS protein. This variant is present in population databases (rs762947018, gnomAD 0.003%). This premature translational stop signal has been observed in individuals with hereditary spastic paraplegia (PMID: 16944349, 21993619, 23280630). ClinVar contains an entry for this variant (Variation ID: 188912). This variant disrupts a region of the SACS protein in which other variant(s) (p.Tyr4538*) have been determined to be pathogenic (Invitae). This suggests that this is a clinically significant region of the protein, and that variants that disrupt it are likely to be disease-causing. For these reasons, this variant has been classified as Pathogenic.

Baylor Genetics
Classification: Pathogenic for Charlevoix-Saguenay spastic ataxia. Last evaluated: 2023-09-26. Review status: criteria provided, single submitter. Criteria: ACMG Guidelines, 2015. Collection method: clinical testing. Allele origin: unknown.

PROSPAX: an integrated multimodal progression  chart in spastic ataxias, Center for Neurology; Hertie-Institute for Clinical Brain Research
Classification: Likely pathogenic for Charlevoix-Saguenay spastic ataxia. Last evaluated: 2022-01-01. Review status: criteria provided, single submitter. Criteria: ACMG Guidelines, 2015. Collection method: research. Allele origin: germline. Affected: yes.
Comment: Variant seen in compound het: [c.12973C>T;c.5744_5745del]

Myriad Genetics, Inc.
Classification: Pathogenic for Charlevoix-Saguenay spastic ataxia. Last evaluated: 2021-11-19. Review status: criteria provided, single submitter. Criteria: Myriad Women's Health Autosomal Recessive and X-Linked Classification Criteria (2021). Collection method: clinical testing. Allele origin: unknown.
Comment: NM_014363.4(SACS):c.12973C>T(R4325*) is a nonsense variant classified as pathogenic in the context of autosomal recessive spastic ataxia of Charlevoix-Saguenay. R4325* has been observed in cases with relevant disease (PMID: 16944349, 27142713, 21665375, 31475473). Functional assessments of this variant are not available in the literature. R4325* has been observed in population frequency databases (gnomAD: SAS 0.003%). In summary, NM_014363.4(SACS):c.12973C>T(R4325*) is a nonsense variant variant that has been observed more frequently in cases with the relevant disease than in healthy populations. Please note: this variant was assessed in the context of healthy population screening.

Genome-Nilou Lab
Classification: Likely pathogenic for Charlevoix-Saguenay spastic ataxia. Last evaluated: 2021-09-05. Review status: criteria provided, single submitter. Criteria: ACMG Guidelines, 2015. Collection method: clinical testing. Allele origin: germline. Affected: no.

Paris Brain Institute, Inserm - ICM
Classification: Pathogenic for Charlevoix-Saguenay spastic ataxia. Review status: criteria provided, single submitter. Criteria: ACMG Guidelines, 2015. Collection method: clinical testing. Allele origin: unknown. Affected: yes. Observed: 1 variant allele.

Department of Rehabilitation Medicine, Incheon St. Mary’s Hospital, College of Medicine, The Catholic University of Korea
Classification: Likely pathogenic for Charlevoix-Saguenay spastic ataxia. Last evaluated: 2019-02-11. Review status: no assertion criteria provided. Collection method: research. Allele origin: unknown. Inheritance: Autosomal recessive inheritance. Affected: yes. Observed: 1 compound heterozygote. Not counted in ClinVar's aggregate classification.

Literature cited by the submitters: PubMed 40243517 (cited by Dasa); PubMed 33956305 (cited by Dasa and Natera, Inc.); PubMed 31475473 (cited by Dasa and Myriad Genetics, Inc.); PubMed 16944349 (cited by 3 submitters); PubMed 27142713 (cited by Natera, Inc. and Myriad Genetics, Inc.); PubMed 21993619 (cited by Labcorp Genetics (formerly Invitae), Labcorp); PubMed 23280630 (cited by Labcorp Genetics (formerly Invitae), Labcorp); PubMed 21665375 (cited by Myriad Genetics, Inc.).

NM_014363.6(SACS):c.12973C>T (p.Arg4325Ter)

Gene: SACS (sacsin molecular chaperone; minus strand). Cytogenetic location: 13q12.12.
Variant type: single nucleotide variant.
Coding change: c.12973C>T on transcript NM_014363.6 (MANE Select); coding-DNA position 12973, C replaced by T.
Protein change: p.Arg4325Ter; replaces arginine 4325 with a stop codon.
Molecular consequence: nonsense.
Genome position (GRCh38, 1-based): chr13:23,330,903, G>A on the plus strand (C>T on the coding strand, the complement: SACS is on the minus strand). VCF-style: chr13-23330903-G-A. GRCh37 (hg19) VCF-style: chr13-23905042-G-A.
Other names: c.12532C>T, p.Arg4178Ter (NM_001278055.2); short protein forms R4325*, R4178*.
Identifiers: ClinVar variation 188912 (VCV000188912.24), dbSNP rs762947018, ClinGen allele CA274116.